The following is an entry in ClinVar:

NM_006019.4(TCIRG1):c.59C>T (p.Ala20Val)

Gene: TCIRG1 (T cell immune regulator 1, ATPase H+ transporting V0 subunit a3; plus strand). Cytogenetic location: 11q13.2.
Variant type: single nucleotide variant.
Coding change: c.59C>T on transcript NM_006019.4 (MANE Select); coding-DNA position 59, C replaced by T.
Protein change: p.Ala20Val; replaces alanine 20 with valine.
Molecular consequence: missense variant. On other transcripts: 5 prime UTR variant (1).
Genome position (GRCh38, 1-based): chr11:68,041,330, C>T. VCF-style: chr11-68041330-C-T. GRCh37 (hg19) VCF-style: chr11-67808797-C-T.
Other names: c.-1191C>T (NM_001351059.2); c.59C>T (NM_006019.3); short protein forms A20V.
Identifiers: ClinVar variation 990509 (VCV000990509.14), dbSNP rs377034463, ClinGen allele CA6146622.
Genomic context (GRCh38, chr11:68,041,330, plus strand): 5'-CCATGGGCTCCATGTTCCGGAGCGAGGAGGTGGCCCTGGTCCAGCTCTTTCTGCCCACAG[C>T]GGCTGCCTACACCTGCGTGAGTCGGCTGGGCGAGCTGGGCCTCGTGGAGTTCAGAGACGT-3'
Protein context (NP_006010.2, residues 10-30): VALVQLFLPT[Ala20Val]AAYTCVSRLG

ClinVar aggregate classification (germline): Conflicting classifications of pathogenicity. Review status: criteria provided, conflicting classifications (1 of 4 stars). 7 submissions from 7 submitters: Uncertain significance (5); Likely benign (1). 1 of the submissions does not count toward it. Last evaluated 2025-01-23.

Conditions:
Autosomal recessive osteopetrosis 1. Also called: ALBERS-SCHONBERG DISEASE, AUTOSOMAL RECESSIVE; TCIRG1-Related Autosomal Recessive Osteopetrosis; TCIRG1-Related Osteopetrosis. Identifiers: Orphanet 667, MedGen C1850127, MONDO:0009815, OMIM 259700.
Mitochondrial complex I deficiency, nuclear type 2. Also called: Mitochondrial complex 1 deficiency, nuclear type 2. Identifiers: MedGen C4748737, MONDO:0032606, OMIM 618222.

Allele frequency attached by ClinVar (database versions not stated): gnomAD 0.00002; gnomAD exomes 0.00002 and 0.00009; ExAC 0.00005; TOPMed 0.00005.

Submissions (7):

Labcorp Genetics (formerly Invitae), Labcorp
Classification: Uncertain significance. Last evaluated: 2025-01-23. Review status: criteria provided, single submitter. Criteria: Invitae Variant Classification Sherloc (09022015). Collection method: clinical testing. Allele origin: germline.
Comment: This sequence change replaces alanine, which is neutral and non-polar, with valine, which is neutral and non-polar, at codon 20 of the TCIRG1 protein (p.Ala20Val). This variant is present in population databases (rs377034463, gnomAD 0.08%). This variant has not been reported in the literature in individuals affected with TCIRG1-related conditions. ClinVar contains an entry for this variant (Variation ID: 990509). Invitae Evidence Modeling of protein sequence and biophysical properties (such as structural, functional, and spatial information, amino acid conservation, physicochemical variation, residue mobility, and thermodynamic stability) indicates that this missense variant is not expected to disrupt TCIRG1 protein function with a negative predictive value of 80%. In summary, the available evidence is currently insufficient to determine the role of this variant in disease. Therefore, it has been classified as a Variant of Uncertain Significance.

3billion
Classification: Likely benign for Mitochondrial complex I deficiency, nuclear type 2; Autosomal recessive osteopetrosis 1. Last evaluated: 2024-09-20. Review status: criteria provided, single submitter. Criteria: ACMG Guidelines, 2015. Collection method: clinical testing. Allele origin: germline. Affected: no.
Comment: The homozygous variant was found in patients diagnosed with another variant in a different gene, with no symptoms related to the gene containing the homozygous variant.

Revvity Omics, Revvity
Classification: Uncertain significance for Autosomal recessive osteopetrosis 1. Last evaluated: 2022-11-02. Review status: criteria provided, single submitter. Criteria: ACMG Guidelines, 2015. Collection method: clinical testing. Allele origin: germline.

GeneDx
Classification: Uncertain significance. Last evaluated: 2022-06-28. Review status: criteria provided, single submitter. Criteria: GeneDx Variant Classification Process June 2021. Collection method: clinical testing. Allele origin: germline. Affected: yes.
Comment: In silico analysis supports that this missense variant does not alter protein structure/function; Has not been previously published as pathogenic or benign to our knowledge

Fulgent Genetics
Classification: Uncertain significance for Autosomal recessive osteopetrosis 1. Last evaluated: 2022-02-16. Review status: criteria provided, single submitter. Criteria: ACMG Guidelines, 2015. Collection method: clinical testing. Allele origin: unknown.

ARUP Laboratories, Molecular Genetics and Genomics, ARUP Laboratories
Classification: Uncertain significance for Autosomal recessive osteopetrosis 1. Last evaluated: 2021-09-03. Review status: criteria provided, single submitter. Criteria: ARUP Molecular Germline Variant Investigation Process 2021. Collection method: clinical testing. Allele origin: germline.

Natera, Inc.
Classification: Uncertain significance for Infantile malignant osteopetrosis. Last evaluated: 2020-04-15. Review status: no assertion criteria provided. Collection method: clinical testing. Allele origin: germline. Not counted in ClinVar's aggregate classification.